The following is an entry in ClinVar:

NM_014363.6(SACS):c.4118C>T (p.Ala1373Val)

Gene: SACS (sacsin molecular chaperone; minus strand). Cytogenetic location: 13q12.12.
Variant type: single nucleotide variant.
Coding change: c.4118C>T on transcript NM_014363.6 (MANE Select); coding-DNA position 4118, C replaced by T.
Protein change: p.Ala1373Val; replaces alanine 1373 with valine.
Molecular consequence: missense variant.
Genome position (GRCh38, 1-based): chr13:23,339,758, G>A on the plus strand (C>T on the coding strand, the complement: SACS is on the minus strand). VCF-style: chr13-23339758-G-A. GRCh37 (hg19) VCF-style: chr13-23913897-G-A.
Other names: p.Ala1373Val; c.3677C>T, p.Ala1226Val (NM_001278055.2); short protein forms A1373V, A1226V.
Identifiers: ClinVar variation 235380 (VCV000235380.21), dbSNP rs61548169, ClinGen allele CA6911430.

ClinVar aggregate classification (germline): Conflicting classifications of pathogenicity. Review status: criteria provided, conflicting classifications (1 of 4 stars). 7 submissions from 7 submitters: Uncertain significance (1); Benign (4); Likely benign (2). Last evaluated 2025-02-25.

Conditions:
Spastic paraplegia. Identifiers: MedGen C0037772, HP:0001258.
Hereditary spastic paraplegia. Also called: Familial spastic paraparesis. Identifiers: Orphanet 685, MedGen C0037773, MONDO:0019064. Disease mechanism: loss of function.
Charlevoix-Saguenay spastic ataxia (SACS). Also called: AUTOSOMAL RECESSIVE SPASTIC ATAXIA OF CHARLEVOIX-SAGUENAY; SPASTIC ATAXIA 6, AUTOSOMAL RECESSIVE; Spastic ataxia of Charlevoix-Saguenay. Identifiers: Orphanet 98, MedGen C1849140, MONDO:0010041, OMIM 270550.

Allele frequency attached by ClinVar (database versions not stated): gnomAD exomes 0.00058 and 0.00170; ExAC 0.00215; 1000 Genomes Project 0.00479; 1000 Genomes Project 30x 0.00500; gnomAD 0.00649 and 0.00705; TOPMed 0.00772.
gnomAD v4.1: 1,867 of 1,614,106 alleles (0.12%); highest among the groups gnomAD compares: African/African-American, 2.2%; 19 homozygotes.

Submissions (7):

Mayo Clinic Laboratories, Mayo Clinic
Classification: Benign. Last evaluated: 2025-02-25. Review status: criteria provided, single submitter. Criteria: ACMG Guidelines, 2015. Collection method: clinical testing. Allele origin: germline. Observed: 4 variant alleles.
Comment: BS1, BS2, BP4

Genome-Nilou Lab
Classification: Benign for Charlevoix-Saguenay spastic ataxia. Last evaluated: 2021-09-05. Review status: criteria provided, single submitter. Criteria: ACMG Guidelines, 2015. Collection method: clinical testing. Allele origin: germline. Affected: no.

Genome Diagnostics Laboratory, The Hospital for Sick Children
Classification: Likely benign for Hereditary spastic paraplegia. Last evaluated: 2020-02-01. Review status: criteria provided, single submitter. Criteria: ACMG Guidelines, 2015. Collection method: clinical testing. Allele origin: germline. Affected: yes.

Labcorp Genetics (formerly Invitae), Labcorp
Classification: Benign for Spastic paraplegia. Last evaluated: 2019-12-31. Review status: criteria provided, single submitter. Criteria: Invitae Variant Classification Sherloc (09022015). Collection method: clinical testing. Allele origin: germline.

Illumina Laboratory Services, Illumina
Classification: Uncertain significance for Charlevoix-Saguenay spastic ataxia. Last evaluated: 2018-01-13. Review status: criteria provided, single submitter. Criteria: ICSL Variant Classification Criteria 13 December 2019. Collection method: clinical testing. Allele origin: germline.

Eurofins Ntd Llc (ga)
Classification: Benign. Last evaluated: 2015-11-18. Review status: criteria provided, single submitter. Criteria: EGL Classification Definitions 2015. Collection method: clinical testing. Allele origin: germline. Observed: 1 variant allele, 1 heterozygote.

Center for Pediatric Genomic Medicine, Children's Mercy Hospital and Clinics
Classification: Likely benign. Last evaluated: 2015-09-04. Review status: criteria provided, single submitter. Criteria: ACMG Guidelines, 2015. Collection method: clinical testing. Allele origin: germline.
ClinVar note: Converted during submission from Likely Benign to Likely benign.